The following is an entry in ClinVar:

ClinVar aggregate classification (germline): Uncertain significance (1 of 4 stars; one submission).

Conditions:
Renal cell carcinoma. Identifiers: Orphanet 217071, MedGen C0007134, MeSH D002292, MONDO:0005086, HP:0005584.

Submission:

Labcorp Genetics (formerly Invitae), Labcorp
Classification: Uncertain significance for Renal cell carcinoma. Last evaluated: 2025-02-02. Review status: criteria provided, single submitter. Criteria: Invitae Variant Classification Sherloc (09022015). Collection method: clinical testing. Allele origin: germline.
Comment: This variant, c.2448_2450del, results in the deletion of 1 amino acid(s) of the MET protein (p.Ile817del), but otherwise preserves the integrity of the reading frame. This variant is not present in population databases (gnomAD no frequency). This variant has not been reported in the literature in individuals affected with MET-related conditions. Experimental studies and prediction algorithms are not available or were not evaluated, and the functional significance of this variant is currently unknown. In summary, the available evidence is currently insufficient to determine the role of this variant in disease. Therefore, it has been classified as a Variant of Uncertain Significance.

NM_000245.4(MET):c.2394_2396del (p.Ile799del)

Gene: MET (MET proto-oncogene, receptor tyrosine kinase; plus strand). Cytogenetic location: 7q31.2.
Variant type: Deletion.
Coding change: c.2394_2396del on transcript NM_000245.4 (MANE Select); coding-DNA positions 2394 to 2396, 3 bases deleted (AAT; older notation c.2394_2396delAAT).
Protein change: p.Ile799del; deletes isoleucine 799.
Molecular consequence: inframe deletion.
Genome position (GRCh38, 1-based): chr7:116,763,079-116,763,081, AAT deleted; deleting any 3 consecutive bases within chr7:116,763,077-116,763,081 gives the same sequence; the c. name uses the placement nearest the transcript's 3' end. VCF-style (leftmost placement, unchanged base first): chr7-116763076-GATA-G. GRCh37 (hg19) VCF-style: chr7-116403130-GATA-G.
Other names: c.2448_2450del, p.Ile817del (NM_001127500.3); c.2394_2396del, p.Ile799del (NM_001324401.3); c.1104_1106del, p.Ile369del (NM_001324402.2); short protein forms I799del, I369del, I817del.
Identifiers: ClinVar variation 4712137 (VCV004712137.1).